The following is an entry in ClinVar:

ClinVar aggregate classification (germline): Uncertain significance. Review status: criteria provided, multiple submitters, no conflicts (2 of 4 stars). 2 submissions from 2 submitters: Uncertain significance (2). Last evaluated 2025-06-16.

Conditions:
Gastrointestinal stromal tumor. Also called: Gastrointestinal stromal tumor, somatic; Gastrointestinal stroma tumor. Identifiers: Orphanet 44890, MedGen C0238198, MeSH D046152, MONDO:0011719, OMIM 606764, HP:0100723.
Hereditary cancer-predisposing syndrome. Also called: Hereditary neoplastic syndrome; Neoplastic Syndromes, Hereditary; Hereditary Cancer Syndrome; Tumor predisposition. Identifiers: Orphanet 140162, MedGen C0027672, MeSH D009386, MONDO:0015356.

Allele frequency attached by ClinVar (database versions not stated): gnomAD exomes below 0.00001.
gnomAD v4.1: 1 of 1,124,154 alleles (0.000089%); highest among the groups gnomAD compares: African/African-American, 0.0015%; no homozygotes.

Submissions (2):

Ambry Genetics
Classification: Uncertain significance for Hereditary cancer-predisposing syndrome. Last evaluated: 2025-06-16. Review status: criteria provided, single submitter. Criteria: Ambry Variant Classification Scheme 2023. Collection method: clinical testing. Allele origin: germline.
Comment: The c.2674+4T>C intronic variant results from a T to C substitution 4 nucleotides after coding exon 18 in the PDGFRA gene. This nucleotide position is not well conserved in available vertebrate species. In silico splice site analysis predicts that this alteration will not have any significant effect on splicing. Based on the available evidence, the clinical significance of this variant remains unclear.

Labcorp Genetics (formerly Invitae), Labcorp
Classification: Uncertain significance for Gastrointestinal stromal tumor. Last evaluated: 2023-10-23. Review status: criteria provided, single submitter. Criteria: Invitae Variant Classification Sherloc (09022015). Collection method: clinical testing. Allele origin: germline.
Comment: This sequence change falls in intron 19 of the PDGFRA gene. It does not directly change the encoded amino acid sequence of the PDGFRA protein. It affects a nucleotide within the consensus splice site. This variant is not present in population databases (gnomAD no frequency). This variant has not been reported in the literature in individuals affected with PDGFRA-related conditions. ClinVar contains an entry for this variant (Variation ID: 570471). Variants that disrupt the consensus splice site are a relatively common cause of aberrant splicing (PMID: 17576681, 9536098). Algorithms developed to predict the effect of sequence changes on RNA splicing suggest that this variant is not likely to affect RNA splicing. In summary, the available evidence is currently insufficient to determine the role of this variant in disease. Therefore, it has been classified as a Variant of Uncertain Significance.

Literature cited by the submitters: PubMed 17576681 (cited by Labcorp Genetics (formerly Invitae), Labcorp); PubMed 9536098 (cited by Labcorp Genetics (formerly Invitae), Labcorp).

NM_006206.6(PDGFRA):c.2674+4T>C

Gene: PDGFRA (platelet derived growth factor receptor alpha; plus strand). Cytogenetic location: 4q12.
Variant type: single nucleotide variant.
Coding change: c.2674+4T>C on transcript NM_006206.6 (MANE Select); 4 bases into the intron after coding-DNA position 2674, T replaced by C.
Molecular consequence: intron variant.
Genome position (GRCh38, 1-based): chr4:54,287,545, T>C. VCF-style: chr4-54287545-T-C. GRCh37 (hg19) VCF-style: chr4-55153712-T-C.
Other names: c.2749+4T>C (NM_001347828.2); c.2674+4T>C (NM_001347829.2); c.2713+4T>C (NM_001347830.2).
Identifiers: ClinVar variation 570471 (VCV000570471.10), dbSNP rs1560490962, ClinGen allele CA891842617.
Genomic context (GRCh38, chr4:54,287,545, plus strand): 5'-CCACACTGAGTGATGTCTGGTCTTATGGCATTCTGCTCTGGGAGATCTTTTCCCTTGGTA[T>C]GGGCCTGACATTGCTGCTTATTTGGGCTGTTCTGAAACACCACTGGAAGGAAAATGTGTT-3'